The following is an entry in ClinVar:

ClinVar aggregate classification (germline): Uncertain significance. Review status: criteria provided, multiple submitters, no conflicts (2 of 4 stars). 2 submissions from 2 submitters: Uncertain significance (2). Last evaluated 2025-09-28.

Conditions:
Gastrointestinal stromal tumor. Also called: Gastrointestinal stromal tumor, somatic; Gastrointestinal stroma tumor. Identifiers: Orphanet 44890, MedGen C0238198, MeSH D046152, MONDO:0011719, OMIM 606764, HP:0100723.

Submissions (2):

Labcorp Genetics (formerly Invitae), Labcorp
Classification: Uncertain significance for Gastrointestinal stromal tumor. Last evaluated: 2025-09-28. Review status: criteria provided, single submitter. Criteria: Invitae Variant Classification Sherloc (09022015). Collection method: clinical testing. Allele origin: germline.
Comment: This sequence change replaces serine, which is neutral and polar, with asparagine, which is neutral and polar, at codon 645 of the KIT protein (p.Ser645Asn). This variant is not present in population databases (gnomAD no frequency). This variant has not been reported in the literature in individuals affected with KIT-related conditions. An algorithm developed to predict the effect of missense changes on protein structure and function (PolyPhen-2) suggests that this variant is likely to be disruptive. In summary, the available evidence is currently insufficient to determine the role of this variant in disease. Therefore, it has been classified as a Variant of Uncertain Significance.

Blueprint Genetics
Classification: Uncertain significance. Last evaluated: 2024-04-19. Review status: criteria provided, single submitter. Criteria: ACMG Guidelines, 2015. Collection method: clinical testing. Allele origin: germline.

NM_000222.3(KIT):c.1934G>A (p.Ser645Asn)

Gene: KIT (KIT proto-oncogene, receptor tyrosine kinase; plus strand). Cytogenetic location: 4q12.
Variant type: single nucleotide variant.
Coding change: c.1934G>A on transcript NM_000222.3 (MANE Select); coding-DNA position 1934, G replaced by A.
Protein change: p.Ser645Asn; replaces serine 645 with asparagine.
Molecular consequence: missense variant.
Genome position (GRCh38, 1-based): chr4:54,728,065, G>A. VCF-style: chr4-54728065-G-A. GRCh37 (hg19) VCF-style: chr4-55594231-G-A.
Other names: c.1922G>A, p.Ser641Asn (NM_001093772.2, NM_001385286.1); c.1937G>A, p.Ser646Asn (NM_001385284.1, NM_001385290.1); c.1934G>A, p.Ser645Asn (NM_001385285.1); c.1925G>A, p.Ser642Asn (NM_001385288.1, NM_001385292.1); short protein forms S645N, S641N, S642N, S646N.
Identifiers: ClinVar variation 4727992 (VCV004727992.2).
Genomic context (GRCh38, chr4:54,728,065, plus strand): 5'-TTTTAGCGAGTGCCCATTTGACAGAACGGGAAGCCCTCATGTCTGAACTCAAAGTCCTGA[G>A]TTACCTTGGTAATCACATGAATATTGTGAATCTACTTGGAGCCTGCACCATTGGAGGTAA-3'
Protein context (NP_000213.1, residues 635-655): EALMSELKVL[Ser645Asn]YLGNHMNIVN